The following is an entry in ClinVar:

ClinVar aggregate classification (germline): Uncertain significance (1 of 4 stars; one submission).

Conditions:
Neuropathy, hereditary sensory, type 1F. Also called: Hereditary sensory neuropathy type IF; HSN IF. Identifiers: Orphanet 36386, MedGen C3810194, MONDO:0014286, OMIM 615632.

gnomAD v4.1: 2 of 1,614,182 alleles (0.00012%); no homozygotes.

Submission:

Labcorp Genetics (formerly Invitae), Labcorp
Classification: Uncertain significance for Neuropathy, hereditary sensory, type 1F. Last evaluated: 2022-06-14. Review status: criteria provided, single submitter. Criteria: Invitae Variant Classification Sherloc (09022015). Collection method: clinical testing. Allele origin: germline.
Comment: In summary, the available evidence is currently insufficient to determine the role of this variant in disease. Therefore, it has been classified as a Variant of Uncertain Significance. Algorithms developed to predict the effect of missense changes on protein structure and function (SIFT, PolyPhen-2, Align-GVGD) all suggest that this variant is likely to be tolerated. This variant has not been reported in the literature in individuals affected with ATL3-related conditions. This variant is not present in population databases (gnomAD no frequency). This sequence change replaces phenylalanine, which is neutral and non-polar, with leucine, which is neutral and non-polar, at codon 473 of the ATL3 protein (p.Phe473Leu).

NM_015459.5(ATL3):c.1419C>G (p.Phe473Leu)

Genes: ATL3 (atlastin GTPase 3; minus strand), LNCROPM (lncRNA regulator of PLAAT3 mediated phospholipid metabolism; plus strand). Cytogenetic location: 11q13.1.
Variant type: single nucleotide variant.
Coding change: c.1419C>G on transcript NM_015459.5 (MANE Select); coding-DNA position 1419, C replaced by G.
Protein change: p.Phe473Leu; replaces phenylalanine 473 with leucine.
Molecular consequence: missense variant.
Genome position (GRCh38, 1-based): chr11:63,631,160, G>C on the plus strand (C>G on the coding strand, the complement: ATL3 is on the minus strand). VCF-style: chr11-63631160-G-C. GRCh37 (hg19) VCF-style: chr11-63398632-G-C.
Other names: c.1365C>G, p.Phe455Leu (NM_001290048.2); short protein forms F455L, F473L.
Identifiers: ClinVar variation 1947277 (VCV001947277.5), dbSNP rs764656343, ClinGen allele CA381024986.